The following is an entry in ClinVar:

NM_003001.5(SDHC):c.406-13G>C

Gene: SDHC (succinate dehydrogenase complex subunit C; plus strand). Cytogenetic location: 1q23.3.
Variant type: single nucleotide variant.
Coding change: c.406-13G>C on transcript NM_003001.5 (MANE Select); 13 bases into the intron before coding-DNA position 406, G replaced by C.
Molecular consequence: intron variant.
Genome position (GRCh38, 1-based): chr1:161,362,316, G>C. VCF-style: chr1-161362316-G-C. GRCh37 (hg19) VCF-style: chr1-161332106-G-C.
Other names: c.295-13G>C (NM_001407119.1, NM_001407120.1); c.526-13G>C (NM_001407115.1); c.242-13G>C (NM_001035511.3); c.304-13G>C (NM_001035512.3); c.140-13G>C (NM_001278172.3); c.298-13G>C (NM_001407118.1); c.349-13G>C (NM_001407116.1); c.185-13G>C (NM_001407121.1); and 2 more.
Identifiers: ClinVar variation 3904485 (VCV003904485.1).

ClinVar aggregate classification (germline): Likely benign (1 of 4 stars; one submission).

Conditions:
Pheochromocytoma/paraganglioma syndrome 3. Also called: GLOMUS TUMORS, FAMILIAL, 3; Paragangliomas 3; SDHC-Related Hereditary Paraganglioma-Pheochromocytoma Syndrome (Paragangliomas 3); SDHC-Related Hereditary Paraganglioma-Pheochromocytoma Syndrome. Identifiers: Orphanet 29072, MedGen C1854336, MONDO:0011544, OMIM 605373.

Submission:

Myriad Genetics, Inc.
Classification: Likely benign for Pheochromocytoma/paraganglioma syndrome 3. Last evaluated: 2025-03-17. Review status: criteria provided, single submitter. Criteria: Myriad Autosomal Dominant, Autosomal Recessive and X-Linked Classification Criteria (2023). Collection method: clinical testing. Allele origin: unknown.
Comment: This variant is considered likely benign. This variant is intronic and is not expected to impact mRNA splicing.